The following is an entry in ClinVar:

NM_000448.3(RAG1):c.1565G>A (p.Trp522Ter)

Gene: RAG1 (recombination activating 1; plus strand). Cytogenetic location: 11p12.
Variant type: single nucleotide variant.
Coding change: c.1565G>A on transcript NM_000448.3 (MANE Select); coding-DNA position 1565, G replaced by A.
Protein change: p.Trp522Ter; replaces tryptophan 522 with a stop codon.
Molecular consequence: nonsense.
Genome position (GRCh38, 1-based): chr11:36,574,869, G>A. VCF-style: chr11-36574869-G-A. GRCh37 (hg19) VCF-style: chr11-36596419-G-A.
Other names: c.1565G>A, p.Trp522Ter (NM_001377277.1, NM_001377278.1, NM_001377279.1 and 1 more transcripts); short protein forms W522*.
Identifiers: ClinVar variation 2678208 (VCV002678208.4), dbSNP rs1378936510, ClinGen allele CA380152806.

ClinVar aggregate classification (germline): Pathogenic/Likely pathogenic. Review status: criteria provided, multiple submitters, no conflicts (2 of 4 stars). 2 submissions from 2 submitters: Pathogenic (1); Likely pathogenic (1). Last evaluated 2023-03-27.

Conditions:
Severe combined immunodeficiency, autosomal recessive, T cell-negative, B cell-negative, NK cell-positive. Also called: SCID, T CELL-NEGATIVE, B CELL-NEGATIVE, NK CELL-POSITIVE; SCID, AR, T-cell negative, B-cell negative, NK cell-positive; Severe combined immunodeficiency due to complete RAG1/2 deficiency. Identifiers: Orphanet 331206, MedGen C1832322, MONDO:0011086, OMIM 601457.
Combined immunodeficiency with skin granulomas. Identifiers: Orphanet 157949, MedGen C2673536, MONDO:0009306, OMIM 233650.
Combined immunodeficiency due to partial RAG1 deficiency. Identifiers: Orphanet 231154, MedGen C1835931, MONDO:0012359, OMIM 609889.

Allele frequency attached by ClinVar (database versions not stated): gnomAD exomes below 0.00001; TOPMed below 0.00001; gnomAD 0.00001.
gnomAD v4.1: 2 of 1,614,098 alleles (0.00012%); highest among the groups gnomAD compares: Non-Finnish European, 0.00017%; no homozygotes.

Submissions (2):

Labcorp Genetics (formerly Invitae), Labcorp
Classification: Pathogenic for Combined immunodeficiency with skin granulomas; Severe combined immunodeficiency, autosomal recessive, T cell-negative, B cell-negative, NK cell-positive. Last evaluated: 2023-03-27. Review status: criteria provided, single submitter. Criteria: Invitae Variant Classification Sherloc (09022015). Collection method: clinical testing. Allele origin: germline.
Comment: This variant has not been reported in the literature in individuals affected with RAG1-related conditions. For these reasons, this variant has been classified as Pathogenic. This variant disrupts a region of the RAG1 protein in which other variant(s) (p.His994Arg) have been determined to be pathogenic (PMID: 33193364; Invitae). This suggests that this is a clinically significant region of the protein, and that variants that disrupt it are likely to be disease-causing. This variant is not present in population databases (gnomAD no frequency). This sequence change creates a premature translational stop signal (p.Trp522*) in the RAG1 gene. While this is not anticipated to result in nonsense mediated decay, it is expected to disrupt the last 522 amino acid(s) of the RAG1 protein.

Baylor Genetics
Classification: Likely pathogenic for Combined immunodeficiency due to partial RAG1 deficiency. Last evaluated: 2023-01-10. Review status: criteria provided, single submitter. Criteria: ACMG Guidelines, 2015. Collection method: clinical testing. Allele origin: unknown.

Literature cited by the submitters: PubMed 33193364 (cited by Labcorp Genetics (formerly Invitae), Labcorp).